The following is an entry in ClinVar:

NM_000540.3(RYR1):c.14546T>C (p.Val4849Ala)

Gene: RYR1 (ryanodine receptor 1; plus strand). Cytogenetic location: 19q13.2.
Variant type: single nucleotide variant.
Coding change: c.14546T>C on transcript NM_000540.3 (MANE Select); coding-DNA position 14546, T replaced by C.
Protein change: p.Val4849Ala; replaces valine 4849 with alanine.
Molecular consequence: missense variant.
Genome position (GRCh38, 1-based): chr19:38,580,404, T>C. VCF-style: chr19-38580404-T-C. GRCh37 (hg19) VCF-style: chr19-39071044-T-C.
Other names: c.14531T>C, p.Val4844Ala (NM_001042723.2); short protein forms V4844A, V4849A.
Identifiers: ClinVar variation 3690536 (VCV003690536.2).

ClinVar aggregate classification (germline): Uncertain significance (1 of 4 stars; one submission).

Conditions:
RYR1-related disorder. Also called: RYR1-related condition; RYR1-related disorders. Identifiers: MedGen CN239331.

Submission:

Labcorp Genetics (formerly Invitae), Labcorp
Classification: Uncertain significance for RYR1-related disorder. Last evaluated: 2024-10-03. Review status: criteria provided, single submitter. Criteria: Invitae Variant Classification Sherloc (09022015). Collection method: clinical testing. Allele origin: germline.
Comment: This sequence change replaces valine, which is neutral and non-polar, with alanine, which is neutral and non-polar, at codon 4849 of the RYR1 protein (p.Val4849Ala). This variant is not present in population databases (gnomAD no frequency). This variant has not been reported in the literature in individuals affected with RYR1-related conditions. Invitae Evidence Modeling of protein sequence and biophysical properties (such as structural, functional, and spatial information, amino acid conservation, physicochemical variation, residue mobility, and thermodynamic stability) indicates that this missense variant is not expected to disrupt RYR1 protein function with a negative predictive value of 80%. This variant disrupts the p.Val4849 amino acid residue in RYR1. Other variant(s) that disrupt this residue have been determined to be pathogenic (PMID: 19648156, 22473935, 23329375, 28818389, 29635721). This suggests that this residue is clinically significant, and that variants that disrupt this residue are likely to be disease-causing. In summary, the available evidence is currently insufficient to determine the role of this variant in disease. Therefore, it has been classified as a Variant of Uncertain Significance.

Literature cited by the submitters: PubMed 19648156; PubMed 22473935; PubMed 23329375; PubMed 28818389; PubMed 29635721.